The following is an entry in ClinVar:

NM_000443.4(ABCB4):c.323T>G (p.Ile108Ser)

Gene: ABCB4 (ATP binding cassette subfamily B member 4; minus strand). Cytogenetic location: 7q21.12.
Variant type: single nucleotide variant.
Coding change: c.323T>G on transcript NM_000443.4 (MANE Select); coding-DNA position 323, T replaced by G.
Protein change: p.Ile108Ser; replaces isoleucine 108 with serine.
Molecular consequence: missense variant.
Genome position (GRCh38, 1-based): chr7:87,454,556, A>C on the plus strand (T>G on the coding strand, the complement: ABCB4 is on the minus strand). VCF-style: chr7-87454556-A-C. GRCh37 (hg19) VCF-style: chr7-87083872-A-C.
Other names: c.323T>G, p.Ile108Ser (NM_018849.3, NM_018850.3); short protein forms I108S.
Identifiers: ClinVar variation 4994569 (VCV004994569.1).

ClinVar aggregate classification (germline): Uncertain significance (1 of 4 stars; one submission).

Conditions:
ABCB4-related disorder. Also called: ABCB4-related disorders; ABCB4-related condition.

Submission:

PreventionGenetics, part of Exact Sciences
Classification: Uncertain significance for ABCB4-related condition. Last evaluated: 2026-04-22. Review status: criteria provided, single submitter. Criteria: ACMG Guidelines, 2015. Collection method: clinical testing. Allele origin: germline.
Comment: The ABCB4 c.323T>G variant is predicted to result in the amino acid substitution p.Ile108Ser. To our knowledge, this variant has not been reported in the literature or in a large population database (gnomAD), indicating this variant is rare. At this time, the clinical significance of this variant is uncertain due to the absence of conclusive functional and genetic evidence.